The following is an entry in ClinVar:

NM_001256545.2(MEGF10):c.3003C>T (p.Ser1001=)

Gene: MEGF10 (multiple EGF like domains 10; plus strand). Cytogenetic location: 5q23.2.
Variant type: single nucleotide variant.
Coding change: c.3003C>T on transcript NM_001256545.2 (MANE Select); coding-DNA position 3003, C replaced by T.
Protein change: p.Ser1001=; no amino-acid change (serine 1001 retained).
Molecular consequence: synonymous variant.
Genome position (GRCh38, 1-based): chr5:127,454,588, C>T. VCF-style: chr5-127454588-C-T. GRCh37 (hg19) VCF-style: chr5-126790280-C-T.
Other names: p.Ser1001=; c.3003C>T, p.Ser1001= (NM_032446.3).
Identifiers: ClinVar variation 262073 (VCV000262073.44), dbSNP rs35159176, ClinGen allele CA3392103.

ClinVar aggregate classification (germline): Conflicting classifications of pathogenicity. Review status: criteria provided, conflicting classifications (1 of 4 stars). 7 submissions from 7 submitters: Uncertain significance (1); Benign (2); Likely benign (4). Last evaluated 2026-06-01.

Conditions:
MEGF10-related myopathy (CMYO10A). Also called: Congenital myopathy 10A, severe variant. Identifiers: Orphanet 439212, MedGen C3280679, MONDO:0013731, OMIM 614399.

Allele frequency attached by ClinVar (database versions not stated): 1000 Genomes Project 0.00120; 1000 Genomes Project 30x 0.00172; ESP Exome Variant Server 0.00185; gnomAD 0.00200 and 0.00207; TOPMed 0.00244.
gnomAD v4.1: 4,238 of 1,607,542 alleles (0.26%); highest among the groups gnomAD compares: Admixed American, 0.37%; 10 homozygotes.

Submissions (7):

CeGaT Center for Human Genetics Tuebingen
Classification: Likely benign. Last evaluated: 2026-06-01. Review status: criteria provided, single submitter. Criteria: CeGaT Center For Human Genetics Tuebingen Variant Classification Criteria Version 2. Collection method: clinical testing. Allele origin: germline. Affected: yes. Observed: 4 variant alleles.
Comment: MEGF10: BP4, BP7

Labcorp Genetics (formerly Invitae), Labcorp
Classification: Benign for MEGF10-related myopathy. Last evaluated: 2026-01-26. Review status: criteria provided, single submitter. Criteria: Invitae Variant Classification Sherloc (09022015). Collection method: clinical testing. Allele origin: germline.

Blueprint Genetics
Classification: Likely benign. Last evaluated: 2024-11-12. Review status: criteria provided, single submitter. Criteria: ACMG Guidelines, 2015. Collection method: clinical testing. Allele origin: germline.

Mayo Clinic Laboratories, Mayo Clinic
Classification: Benign. Last evaluated: 2024-05-16. Review status: criteria provided, single submitter. Criteria: ACMG Guidelines, 2015. Collection method: clinical testing. Allele origin: germline. Observed: 3 variant alleles.
Comment: BS1, BS2, BP4, BP7

GeneDx
Classification: Likely benign. Last evaluated: 2021-04-10. Review status: criteria provided, single submitter. Criteria: GeneDx Variant Classification Process June 2021. Collection method: clinical testing. Allele origin: germline. Affected: yes.

Illumina Laboratory Services, Illumina
Classification: Uncertain significance for MEGF10-related myopathy. Last evaluated: 2018-01-13. Review status: criteria provided, single submitter. Criteria: ICSL Variant Classification Criteria 13 December 2019. Collection method: clinical testing. Allele origin: germline.

PreventionGenetics, part of Exact Sciences
Classification: Likely benign. Review status: criteria provided, single submitter. Criteria: ACMG Guidelines, 2015. Collection method: clinical testing. Allele origin: germline.